The following is an entry in ClinVar:

NM_203446.3(SYNJ1):c.2791_2795delATAAG (p.Arg932fs)

Gene: SYNJ1 (synaptojanin 1; minus strand). Cytogenetic location: 21q22.11.
Variant type: Deletion.
Coding change: c.2791_2795delATAAG on transcript NM_203446.3 (MANE Select); coding-DNA positions 2791 to 2795, 5 bases deleted (ATAAG).
Protein change: p.Arg932fs; shifts the reading frame from arginine 932.
Molecular consequence: frameshift variant.
Genome position (GRCh38, 1-based): chr21:32,656,687-32,656,691, CTTAT deleted on the plus strand (ATAAG on the coding strand, the reverse complement: SYNJ1 is on the minus strand). VCF-style (leftmost placement, unchanged base first): chr21-32656686-CCTTAT-C. GRCh37 (hg19) VCF-style: chr21-34028996-CCTTAT-C.
Other names: c.2791_2795delATAAG, p.Arg932Cysfs (NM_001160302.2); c.2776_2780delATAAG, p.Arg927fs (NM_001160306.2); c.2908_2912delATAAG, p.Arg971Cysfs (NM_003895.4); short protein forms R971fs, R927fs, R932fs.
Identifiers: ClinVar variation 570902 (VCV000570902.7), dbSNP rs778394516, ClinGen allele CA10003592.

ClinVar aggregate classification (germline): Pathogenic (1 of 4 stars; one submission).

Conditions:
Early-onset Parkinson disease 20. Also called: PARKINSON DISEASE 20, AUTOSOMAL RECESSIVE EARLY-ONSET. Identifiers: Orphanet 391411, MedGen C3809824, MONDO:0014233, OMIM 615530.
Developmental and epileptic encephalopathy, 53. Also called: Epileptic encephalopathy, early infantile, 53. Identifiers: MedGen C4479313, MONDO:0033362, OMIM 617389.

Allele frequency attached by ClinVar (database versions not stated): gnomAD exomes below 0.00001 and 0.00001; ExAC 0.00001.

Submission:

Labcorp Genetics (formerly Invitae), Labcorp
Classification: Pathogenic for Developmental and epileptic encephalopathy, 53; Early-onset Parkinson disease 20. Last evaluated: 2024-04-27. Review status: criteria provided, single submitter. Criteria: Invitae Variant Classification Sherloc (09022015). Collection method: clinical testing. Allele origin: germline.
Comment: This sequence change creates a premature translational stop signal (p.Arg971Cysfs*4) in the SYNJ1 gene. It is expected to result in an absent or disrupted protein product. Loss-of-function variants in SYNJ1 are known to be pathogenic (PMID: 25316601, 27435091). This variant is present in population databases (rs778394516, gnomAD 0.006%). This variant has not been reported in the literature in individuals affected with SYNJ1-related conditions. ClinVar contains an entry for this variant (Variation ID: 570902). Variants that disrupt the consensus splice site are a relatively common cause of aberrant splicing (PMID: 17576681, 9536098). Algorithms developed to predict the effect of sequence changes on RNA splicing suggest that this variant may disrupt the consensus splice site. For these reasons, this variant has been classified as Pathogenic.

Literature cited by the submitters: PubMed 25316601; PubMed 27435091; PubMed 17576681; PubMed 9536098.